The following is an entry in ClinVar:

NM_023110.3(FGFR1):c.-89+122C>G

Gene: FGFR1 (fibroblast growth factor receptor 1; minus strand). Cytogenetic location: 8p11.23.
Variant type: single nucleotide variant.
Coding change: c.-89+122C>G on transcript NM_023110.3 (MANE Select); 122 bases into the intron after 89 bases upstream of the start codon, C replaced by G.
Molecular consequence: intron variant.
Genome position (GRCh38, 1-based): chr8:38,467,859, G>C on the plus strand (C>G on the coding strand, the complement: FGFR1 is on the minus strand). VCF-style: chr8-38467859-G-C. GRCh37 (hg19) VCF-style: chr8-38325377-G-C.
Other names: c.-89+122C>G (NM_001354368.2, NM_001354370.2, NM_023106.3 and 4 more transcripts); c.-181+122C>G (NM_001174064.2).
Identifiers: ClinVar variation 1695229 (VCV001695229.31), dbSNP rs753890237, ClinGen allele CA175775756.

ClinVar aggregate classification (germline): Likely benign (1 of 4 stars; one submission).

Allele frequency attached by ClinVar (database versions not stated): gnomAD 0.00073 and 0.00076; TOPMed 0.00090; gnomAD exomes 0.00187.
gnomAD v4.1: 266 of 229,534 alleles (0.12%); highest among the groups gnomAD compares: Non-Finnish European, 0.2%; 2 homozygotes.

Submission:

CeGaT Center for Human Genetics Tuebingen
Classification: Likely benign. Last evaluated: 2026-09-01. Review status: criteria provided, single submitter. Criteria: CeGaT Center For Human Genetics Tuebingen Variant Classification Criteria Version 2. Collection method: clinical testing. Allele origin: germline. Affected: yes. Observed: 7 variant alleles.
Comment: FGFR1: BS1